The following is an entry in ClinVar:

NM_001042492.3(NF1):c.3457C>A (p.Leu1153Ile)

Gene: NF1 (neurofibromin 1; plus strand). Cytogenetic location: 17q11.2.
Variant type: single nucleotide variant.
Coding change: c.3457C>A on transcript NM_001042492.3 (MANE Select); coding-DNA position 3457, C replaced by A.
Protein change: p.Leu1153Ile; replaces leucine 1153 with isoleucine.
Molecular consequence: missense variant.
Genome position (GRCh38, 1-based): chr17:31,232,842, C>A. VCF-style: chr17-31232842-C-A. GRCh37 (hg19) VCF-style: chr17-29559860-C-A.
Other names: c.3457C>A, p.Leu1153Ile (NM_000267.4); short protein forms L1153I.
Identifiers: ClinVar variation 3237731 (VCV003237731.1), dbSNP rs2151434781.
Genomic context (GRCh38, chr17:31,232,842, plus strand): 5'-GGCATGTCTCGGAGGCTGGCATCACTGAGGCACTGTACGGTCCTTGCAATGTCAAACTTA[C>A]TCAATGCCAACGTAGACAGTGGTCTCATGCACTCCATAGGTGAGATCAAATGAAAGTTTC-3'
Protein context (NP_001035957.1, residues 1143-1163): HCTVLAMSNL[Leu1153Ile]NANVDSGLMH

ClinVar aggregate classification (germline): Uncertain significance (1 of 4 stars; one submission).

Conditions:
Hereditary cancer-predisposing syndrome. Also called: Neoplastic Syndromes, Hereditary; Tumor predisposition; Hereditary neoplastic syndrome; Hereditary Cancer Syndrome. Identifiers: Orphanet 140162, MedGen C0027672, MeSH D009386, MONDO:0015356.
Cardiovascular phenotype. Identifiers: MedGen CN230736.

Submission:

Ambry Genetics
Classification: Uncertain significance for Cardiovascular phenotype; Hereditary cancer-predisposing syndrome. Last evaluated: 2023-07-12. Review status: criteria provided, single submitter. Criteria: Ambry Variant Classification Scheme 2023. Collection method: clinical testing. Allele origin: germline.
Comment: The p.L1153I variant (also known as c.3457C>A), located in coding exon 26 of the NF1 gene, results from a C to A substitution at nucleotide position 3457. The leucine at codon 1153 is replaced by isoleucine, an amino acid with highly similar properties. This amino acid position is conserved. In addition, the in silico prediction for this alteration is inconclusive. Since supporting evidence is limited at this time, the clinical significance of this alteration remains unclear.